The following is an entry in ClinVar:

NM_000628.5(IL10RB):c.367C>T (p.Leu123Phe)

Genes: IFNAR2-IL10RB (IFNAR2-IL10RB readthrough; plus strand), IL10RB (interleukin 10 receptor subunit beta; plus strand). Cytogenetic location: 21q22.11.
Variant type: single nucleotide variant.
Coding change: c.367C>T on transcript NM_000628.5 (MANE Select); coding-DNA position 367, C replaced by T.
Protein change: p.Leu123Phe; replaces leucine 123 with phenylalanine.
Molecular consequence: missense variant.
Genome position (GRCh38, 1-based): chr21:33,279,787, C>T. VCF-style: chr21-33279787-C-T. GRCh37 (hg19) VCF-style: chr21-34652092-C-T.
Other names: short protein forms L123F.
Identifiers: ClinVar variation 944024 (VCV000944024.10), dbSNP rs1989246173, ClinGen allele CA410109490.
Genomic context (GRCh38, chr21:33,279,787, plus strand): 5'-TCATTTTGCTTGTTCTTCTGCTTAGCCATTATTGGACCCCCTGGAATGCAAGTAGAAGTA[C>T]TTGCTGATTCTTTACATATGCGTTTCTTAGCCCCTAAAATTGAGAATGAATACGAAACTT-3'
Protein context (NP_000619.3, residues 113-133): IGPPGMQVEV[Leu123Phe]ADSLHMRFLA

ClinVar aggregate classification (germline): Uncertain significance (1 of 4 stars; one submission).

Conditions:
Inflammatory bowel disease 25. Also called: Inflammatory bowel disease 25, early onset, autosomal recessive. Identifiers: Orphanet 238569, MedGen C2675508, MONDO:0012941, OMIM 612567.

Submission:

Labcorp Genetics (formerly Invitae), Labcorp
Classification: Uncertain significance for Inflammatory bowel disease 25. Last evaluated: 2023-07-14. Review status: criteria provided, single submitter. Criteria: Invitae Variant Classification Sherloc (09022015). Collection method: clinical testing. Allele origin: germline.
Comment: This sequence change replaces leucine, which is neutral and non-polar, with phenylalanine, which is neutral and non-polar, at codon 123 of the IL10RB protein (p.Leu123Phe). This variant is not present in population databases (gnomAD no frequency). This variant has not been reported in the literature in individuals affected with IL10RB-related conditions. ClinVar contains an entry for this variant (Variation ID: 944024). Advanced modeling of protein sequence and biophysical properties (such as structural, functional, and spatial information, amino acid conservation, physicochemical variation, residue mobility, and thermodynamic stability) performed at Invitae indicates that this missense variant is not expected to disrupt IL10RB protein function. In summary, the available evidence is currently insufficient to determine the role of this variant in disease. Therefore, it has been classified as a Variant of Uncertain Significance.